The following is an entry in ClinVar:

ClinVar aggregate classification (germline): Likely benign (1 of 4 stars; one submission).

Allele frequency attached by ClinVar (database versions not stated): gnomAD 0.00005; ESP Exome Variant Server 0.00008.
gnomAD v4.1: 48 of 1,611,974 alleles (0.003%); highest among the groups gnomAD compares: Middle Eastern, 0.033%; no homozygotes.

Submission:

CeGaT Center for Human Genetics Tuebingen
Classification: Likely benign. Last evaluated: 2022-04-01. Review status: criteria provided, single submitter. Criteria: CeGaT Center For Human Genetics Tuebingen Variant Classification Criteria Version 2. Collection method: clinical testing. Allele origin: germline. Affected: yes. Observed: 1 variant allele.
Comment: NDUFAF7: BP4, BP7

NM_144736.5(NDUFAF7):c.222T>C (p.Tyr74=)

Gene: NDUFAF7 (NADH:ubiquinone oxidoreductase complex assembly factor 7; plus strand). Cytogenetic location: 2p22.2.
Variant type: single nucleotide variant.
Coding change: c.222T>C on transcript NM_144736.5 (MANE Select); coding-DNA position 222, T replaced by C.
Protein change: p.Tyr74=; no amino-acid change (tyrosine 74 retained).
Molecular consequence: synonymous variant. On other transcripts: non-coding transcript variant (9), intron variant (2).
Genome position (GRCh38, 1-based): chr2:37,236,101, T>C. VCF-style: chr2-37236101-T-C. GRCh37 (hg19) VCF-style: chr2-37463244-T-C.
Other names: c.222T>C, p.Tyr74= (NM_001350024.2, NM_001350027.2); c.217-1656T>C (NM_001350025.2, NM_001083946.2).
Identifiers: ClinVar variation 2650836 (VCV002650836.24), dbSNP rs372126937, ClinGen allele CA1617072.